The following is an entry in ClinVar:

ClinVar aggregate classification (germline): Likely pathogenic. Review status: criteria provided, multiple submitters, no conflicts (2 of 4 stars). 3 submissions from 3 submitters: Likely pathogenic (3). Last evaluated 2026-06-02.

Conditions:
VPS13B-related disorder. Also called: VPS13B-related condition.
Cohen syndrome (COH1). Also called: PEPPER SYNDROME; Cutis verticis gyrata, retinitis pigmentosa, and sensorineural deafness. Identifiers: Orphanet 193, MedGen C0265223, MONDO:0008999, OMIM 216550.

Allele frequency attached by ClinVar (database versions not stated): gnomAD exomes below 0.00001; ExAC 0.00001.
gnomAD v4.1: 2 of 1,613,450 alleles (0.00012%); highest among the groups gnomAD compares: Admixed American, 0.0033%; no homozygotes.

Submissions (3):

PreventionGenetics, part of Exact Sciences
Classification: Likely pathogenic for VPS13B-related condition. Last evaluated: 2026-06-02. Review status: criteria provided, single submitter. Criteria: ACMG Guidelines, 2015. Collection method: clinical testing. Allele origin: germline.
Comment: The VPS13B c.10868-2A>G variant is predicted to disrupt the AG splice acceptor site and interfere with normal splicing. To our knowledge, this variant has not been reported in the literature. This variant is reported in 0.0058% of alleles in individuals of Latino descent in gnomAD. Variants that disrupt the consensus splice acceptor site in VPS13B are expected to be pathogenic. This variant is interpreted as likely pathogenic.

Labcorp Genetics (formerly Invitae), Labcorp
Classification: Likely pathogenic for Cohen syndrome. Last evaluated: 2025-07-22. Review status: criteria provided, single submitter. Criteria: Invitae Variant Classification Sherloc (09022015). Collection method: clinical testing. Allele origin: germline.
Comment: This sequence change affects an acceptor splice site in intron 56 of the VPS13B gene. It is expected to disrupt RNA splicing. Variants that disrupt the donor or acceptor splice site typically lead to a loss of protein function (PMID: 16199547), and loss-of-function variants in VPS13B are known to be pathogenic (PMID: 15141358, 16648375, 20461111). This variant is present in population databases (rs745404712, gnomAD 0.006%). This variant has not been reported in the literature in individuals affected with VPS13B-related conditions. ClinVar contains an entry for this variant (Variation ID: 2165203). Algorithms developed to predict the effect of sequence changes on RNA splicing suggest that this variant may disrupt the consensus splice site. In summary, the currently available evidence indicates that the variant is pathogenic, but additional data are needed to prove that conclusively. Therefore, this variant has been classified as Likely Pathogenic.

Blueprint Genetics
Classification: Likely pathogenic for VPS13B-related disorders. Last evaluated: 2022-04-12. Review status: criteria provided, single submitter. Criteria: ACMG Guidelines, 2015. Collection method: clinical testing. Allele origin: germline. Affected: yes. Observed: 1 variant allele.

Literature cited by the submitters: PubMed 16199547 (cited by Labcorp Genetics (formerly Invitae), Labcorp); PubMed 15141358 (cited by Labcorp Genetics (formerly Invitae), Labcorp); PubMed 16648375 (cited by Labcorp Genetics (formerly Invitae), Labcorp); PubMed 20461111 (cited by Labcorp Genetics (formerly Invitae), Labcorp).

NM_152564.5(VPS13B):c.10868-2A>G

Gene: VPS13B (vacuolar protein sorting 13 homolog B; plus strand). Cytogenetic location: 8q22.2.
Variant type: single nucleotide variant.
Coding change: c.10868-2A>G on transcript NM_152564.5 (MANE Select); the canonical splice acceptor site of the intron before coding-DNA position 10868, A replaced by G.
Molecular consequence: splice acceptor variant.
Genome position (GRCh38, 1-based): chr8:99,859,302, A>G. VCF-style: chr8-99859302-A-G. GRCh37 (hg19) VCF-style: chr8-100871530-A-G.
Other names: c.10943-2A>G (NM_017890.5); c.10868-2A>G (NM_152564.4).
Identifiers: ClinVar variation 2165203 (VCV002165203.6), dbSNP rs745404712, ClinGen allele CA4825055.